The following is an entry in ClinVar:

ClinVar aggregate classification (germline): Likely benign. Review status: criteria provided, multiple submitters, no conflicts (2 of 4 stars). 2 submissions from 2 submitters: Likely benign (2). Last evaluated 2024-10-27.

Conditions:
Charcot-Marie-Tooth disease dominant intermediate B (CMTDIB). Also called: Charcot-Marie-Tooth disease dominant intermediate 1; CMT DI1; Charcot-Marie-Tooth disease dominant intermediate I; CHARCOT-MARIE-TOOTH NEUROPATHY, DOMINANT INTERMEDIATE B. Identifiers: Orphanet 100044, Orphanet 228179, MedGen C1847902, MONDO:0011674, OMIM 606482.

gnomAD v4.1: 18 of 1,613,388 alleles (0.0011%); highest among the groups gnomAD compares: Non-Finnish European, 0.0014%; no homozygotes.

Submissions (2):

Labcorp Genetics (formerly Invitae), Labcorp
Classification: Likely benign for Charcot-Marie-Tooth disease dominant intermediate B. Last evaluated: 2024-10-27. Review status: criteria provided, single submitter. Criteria: Invitae Variant Classification Sherloc (09022015). Collection method: clinical testing. Allele origin: germline.

CeGaT Center for Human Genetics Tuebingen
Classification: Likely benign. Last evaluated: 2023-02-01. Review status: criteria provided, single submitter. Criteria: CeGaT Center For Human Genetics Tuebingen Variant Classification Criteria Version 2. Collection method: clinical testing. Allele origin: germline. Affected: yes. Observed: 1 variant allele.
Comment: DNM2: BP4, BP7

NM_001005361.3(DNM2):c.2079C>T (p.His693=)

Gene: DNM2 (dynamin 2; plus strand). Cytogenetic location: 19p13.2.
Variant type: single nucleotide variant.
Coding change: c.2079C>T on transcript NM_001005361.3 (MANE Select); coding-DNA position 2079, C replaced by T.
Protein change: p.His693=; no amino-acid change (histidine 693 retained).
Molecular consequence: synonymous variant.
Genome position (GRCh38, 1-based): chr19:10,829,056, C>T. VCF-style: chr19-10829056-C-T. GRCh37 (hg19) VCF-style: chr19-10939732-C-T.
Other names: c.2079C>T, p.His693= (NM_001005360.3, NM_001190716.2); c.2067C>T, p.His689= (NM_001005362.3, NM_004945.4).
Identifiers: ClinVar variation 1592892 (VCV001592892.33), dbSNP rs777872270, ClinGen allele CA505493881.